The following is an entry in ClinVar:

ClinVar aggregate classification (germline): Pathogenic (1 of 4 stars; one submission).

Conditions:
Polycystic kidney disease 4 (PKD4). Also called: POLYCYSTIC KIDNEY AND HEPATIC DISEASE 1; POLYCYSTIC KIDNEY DISEASE, INFANTILE, TYPE I; POLYCYSTIC KIDNEY DISEASE 4 WITH OR WITHOUT POLYCYSTIC LIVER DISEASE; PKD3; Autosomal Recessive Polycystic Kidney Disease – PKHD1. Identifiers: MedGen C4540575, MONDO:0033004, OMIM 263200.

Submission:

Myriad Genetics, Inc.
Classification: Pathogenic for Polycystic kidney disease 4. Last evaluated: 2023-10-05. Review status: criteria provided, single submitter. Criteria: Myriad Autosomal Dominant, Autosomal Recessive and X-Linked Classification Criteria (2023). Collection method: clinical testing. Allele origin: unknown.
Comment: NM_138694.3(PKHD1):c.5365dupG(V1789Gfs*17) is expected to be pathogenic in the context of autosomal recessive polycystic kidney disease, PKHD1-related. This variant is predicted to lead to an abnormal or absent protein product due to the creation of a premature termination codon in PKHD1, a gene where loss-of-function variants are known to be pathogenic. Please note: this variant was assessed in the context of healthy population screening.

NM_138694.4(PKHD1):c.5365dup (p.Val1789fs)

Gene: PKHD1 (PKHD1 ciliary IPT domain containing fibrocystin/polyductin; minus strand). Cytogenetic location: 6p12.2.
Variant type: Duplication.
Coding change: c.5365dup on transcript NM_138694.4 (MANE Select); coding-DNA position 5365, one base duplicated (G; older notation c.5365dupG).
Protein change: p.Val1789fs; shifts the reading frame from valine 1789.
Molecular consequence: frameshift variant.
Genome position (GRCh38, 1-based): chr6:52,022,816, C duplicated on the plus strand (G on the coding strand, the reverse complement: PKHD1 is on the minus strand); the first of 2 consecutive C bases (chr6:52,022,816-52,022,817); duplicating either gives the same sequence. VCF-style (leftmost placement, unchanged base first): chr6-52022815-A-AC. GRCh37 (hg19) VCF-style: chr6-51887613-A-AC.
Other names: c.5365dup, p.Val1789fs (NM_170724.3); short protein forms V1789fs.
Identifiers: ClinVar variation 5012361 (VCV005012361.1).